The following is an entry in ClinVar:

ClinVar aggregate classification (germline): Likely benign. Review status: criteria provided, multiple submitters, no conflicts (2 of 4 stars). 2 submissions from 2 submitters: Likely benign (2). Last evaluated 2025-07-22.

Conditions:
Charcot-Marie-Tooth disease axonal type 2O. Also called: CHARCOT-MARIE-TOOTH NEUROPATHY, AXONAL, TYPE 2O; CHARCOT-MARIE-TOOTH DISEASE, AXONAL, AUTOSOMAL DOMINANT, TYPE 2O; Charcot-Marie-Tooth disease, axonal, type 20; Charcot-Marie-Tooth Neuropathy Type 2O. Identifiers: Orphanet 284232, MedGen C3280220, MONDO:0013644, OMIM 614228.

Allele frequency attached by ClinVar (database versions not stated): gnomAD 0.00001 and 0.00002; TOPMed 0.00002.
gnomAD v4.1: 25 of 1,614,056 alleles (0.0015%); highest among the groups gnomAD compares: South Asian, 0.0099%; no homozygotes.

Submissions (2):

Labcorp Genetics (formerly Invitae), Labcorp
Classification: Likely benign for Charcot-Marie-Tooth disease axonal type 2O. Last evaluated: 2025-07-22. Review status: criteria provided, single submitter. Criteria: Invitae Variant Classification Sherloc (09022015). Collection method: clinical testing. Allele origin: germline.

CeGaT Center for Human Genetics Tuebingen
Classification: Likely benign. Last evaluated: 2022-07-01. Review status: criteria provided, single submitter. Criteria: CeGaT Center For Human Genetics Tuebingen Variant Classification Criteria Version 2. Collection method: clinical testing. Allele origin: germline. Affected: yes. Observed: 2 variant alleles.
Comment: DYNC1H1: BP4, BP7

NM_001376.5(DYNC1H1):c.7113C>T (p.Thr2371=)

Gene: DYNC1H1 (dynein cytoplasmic 1 heavy chain 1; plus strand). Cytogenetic location: 14q32.31.
Variant type: single nucleotide variant.
Coding change: c.7113C>T on transcript NM_001376.5 (MANE Select); coding-DNA position 7113, C replaced by T.
Protein change: p.Thr2371=; no amino-acid change (threonine 2371 retained).
Molecular consequence: synonymous variant.
Genome position (GRCh38, 1-based): chr14:102,015,203, C>T. VCF-style: chr14-102015203-C-T. GRCh37 (hg19) VCF-style: chr14-102481540-C-T.
Identifiers: ClinVar variation 807174 (VCV000807174.49), dbSNP rs745348478, ClinGen allele CA487972546.
Genomic context (GRCh38, chr14:102,015,203, plus strand): 5'-GACCTTGGCCACAGTGTCGCGCTGCGGCATGGTCTGGTTCAGTGAGGATGTGCTGAGCAC[C>T]GACATGATCTTCAACAACTTCCTGGCCAGGCTGCGCAGCATCCCGCTGGATGAAGGGGAG-3'
Protein context (NP_001367.2, residues 2361-2381): MVWFSEDVLS[Thr2371=]DMIFNNFLAR